The following is an entry in ClinVar:

ClinVar aggregate classification (germline): Benign/Likely benign. Review status: criteria provided, multiple submitters, no conflicts (2 of 4 stars). 3 submissions from 3 submitters: Benign (1); Likely benign (2). Last evaluated 2026-07-15.

Conditions:
Hereditary cancer-predisposing syndrome. Also called: Tumor predisposition; Neoplastic Syndromes, Hereditary; Hereditary Cancer Syndrome; Hereditary neoplastic syndrome. Identifiers: Orphanet 140162, MedGen C0027672, MeSH D009386, MONDO:0015356.
Rhabdoid tumor predisposition syndrome 2 (RTPS2). Identifiers: Orphanet 231108, Orphanet 69077, MedGen C2750074, MONDO:0013224, OMIM 613325.

Allele frequency attached by ClinVar (database versions not stated): gnomAD exomes below 0.00001; ExAC 0.00001; gnomAD 0.00001.
gnomAD v4.1: 4 of 1,613,338 alleles (0.00025%); highest among the groups gnomAD compares: Admixed American, 0.0017%; no homozygotes.

Submissions (3):

Myriad Genetics, Inc.
Classification: Benign for Rhabdoid tumor predisposition syndrome 2. Last evaluated: 2026-07-15. Review status: criteria provided, single submitter. Criteria: Myriad Autosomal Dominant, Autosomal Recessive and X-Linked Classification Criteria (2023). Collection method: clinical testing. Allele origin: unknown.
Comment: This variant is considered benign. This variant is a silent/synonymous amino acid change and it is not expected to impact splicing.

Labcorp Genetics (formerly Invitae), Labcorp
Classification: Likely benign for Rhabdoid tumor predisposition syndrome 2. Last evaluated: 2025-11-09. Review status: criteria provided, single submitter. Criteria: Invitae Variant Classification Sherloc (09022015). Collection method: clinical testing. Allele origin: germline.

Ambry Genetics
Classification: Likely benign for Hereditary cancer-predisposing syndrome. Last evaluated: 2016-12-19. Review status: criteria provided, single submitter. Criteria: Ambry Variant Classification Scheme 2023. Collection method: clinical testing. Allele origin: germline.

NM_003072.5(SMARCA4):c.3627C>T (p.Ser1209=)

Gene: SMARCA4 (SWI/SNF related BAF chromatin remodeling complex subunit ATPase 4; plus strand). Cytogenetic location: 19p13.2.
Variant type: single nucleotide variant.
Coding change: c.3627C>T on transcript NM_003072.5 (MANE Select); coding-DNA position 3627, C replaced by T.
Protein change: p.Ser1209=; no amino-acid change (serine 1209 retained).
Molecular consequence: synonymous variant. On other transcripts: non-coding transcript variant (1).
Genome position (GRCh38, 1-based): chr19:11,033,370, C>T. VCF-style: chr19-11033370-C-T. GRCh37 (hg19) VCF-style: chr19-11144046-C-T.
Other names: c.3627C>T, p.Ser1209= (NM_001128844.3, NM_001128845.2, NM_001128846.2 and 5 more transcripts).
Identifiers: ClinVar variation 480666 (VCV000480666.15), dbSNP rs564414398, ClinGen allele CA9204480.